The following is an entry in ClinVar:

ClinVar aggregate classification (germline): Conflicting classifications of pathogenicity. Review status: criteria provided, conflicting classifications (1 of 4 stars). 2 submissions from 2 submitters: Uncertain significance (1); Likely benign (1). Last evaluated 2023-03-23.

Conditions:
Hereditary cancer-predisposing syndrome. Also called: Neoplastic Syndromes, Hereditary; Tumor predisposition; Hereditary Cancer Syndrome; Hereditary neoplastic syndrome. Identifiers: Orphanet 140162, MedGen C0027672, MeSH D009386, MONDO:0015356.

Submissions (2):

University of Washington Department of Laboratory Medicine, University of Washington
Classification: Likely benign for Hereditary cancer-predisposing syndrome. Last evaluated: 2023-03-23. Review status: criteria provided, single submitter. Criteria: Dines et al. (Genet Med. 2020). Collection method: curation. Allele origin: germline.
Comment: Missense variant in a coldspot region where missense variants are very unlikely to be pathogenic (PMID:31911673).

BRCA1 coldspot (exon 11 using historical exon numbering). Reclassification based on statistical prior probability

Ambry Genetics
Classification: Uncertain significance for Hereditary cancer-predisposing syndrome. Last evaluated: 2020-10-28. Review status: criteria provided, single submitter. Criteria: Ambry Variant Classification Scheme 2023. Collection method: clinical testing. Allele origin: germline.
Comment: The p.V626E variant (also known as c.1877T>A), located in coding exon 9 of the BRCA1 gene, results from a T to A substitution at nucleotide position 1877. The valine at codon 626 is replaced by glutamic acid, an amino acid with dissimilar properties. This amino acid position is well conserved in available vertebrate species. In addition, the in silico prediction for this alteration is inconclusive. Since supporting evidence is limited at this time, the clinical significance of this alteration remains unclear.

NM_007294.4(BRCA1):c.1877T>A (p.Val626Glu)

Gene: BRCA1 (BRCA1 DNA repair associated; minus strand). Cytogenetic location: 17q21.31.
Variant type: single nucleotide variant.
Coding change: c.1877T>A on transcript NM_007294.4 (MANE Select); coding-DNA position 1877, T replaced by A.
Protein change: p.Val626Glu; replaces valine 626 with glutamic acid.
Molecular consequence: missense variant. On other transcripts: intron variant (137).
Genome position (GRCh38, 1-based): chr17:43,093,654, A>T on the plus strand (T>A on the coding strand, the complement: BRCA1 is on the minus strand). VCF-style: chr17-43093654-A-T. GRCh37 (hg19) VCF-style: chr17-41245671-A-T.
Other names: c.787+1090T>A (NM_007299.4, NM_001407974.1, NM_001407969.1 and 19 more transcripts); c.577+1090T>A (NM_001408492.1, NM_001408513.1, NM_001408481.1 and 9 more transcripts); c.643+1090T>A (NM_001408468.1, NM_001408470.1, NM_001408464.1 and 3 more transcripts); c.523+1090T>A (NM_001408501.1, NM_001408498.1, NM_001408500.1 and 3 more transcripts); c.646+1090T>A (NM_001408455.1, NM_001408458.1, NM_001408469.1 and 11 more transcripts); c.1877T>A, p.Val626Glu (NM_001407596.1, NM_001407597.1, NM_001407598.1 and 30 more transcripts); c.1874T>A, p.Val625Glu (NM_001407610.1, NM_001407611.1, NM_001407612.1 and 22 more transcripts); c.1868T>A, p.Val623Glu (NM_001407646.1, NM_001407647.1); and 40 more; short protein forms V330E, V514E, V515E, V556E, V559E, V585E, V625E, V498E.
Identifiers: ClinVar variation 1781807 (VCV001781807.4), dbSNP rs2154415173, ClinGen allele CA10598266.